The following is an entry in ClinVar:

ClinVar aggregate classification (germline): Conflicting classifications of pathogenicity. Review status: criteria provided, conflicting classifications (1 of 4 stars). 2 submissions from 2 submitters: Pathogenic (1); Uncertain significance (1). Last evaluated 2025-12-03.

Conditions:
Otofaciocervical syndrome 2 (OTFCS2). Also called: OTOFACIOCERVICAL SYNDROME 2, WITH T-CELL DEFICIENCY. Identifiers: MedGen C5442121, MONDO:0014254, OMIM 615560.

Submissions (2):

Stanford Starfish Project, Stanford University
Classification: Pathogenic for Otofaciocervical syndrome 2. Last evaluated: 2025-12-03. Review status: criteria provided, single submitter. Criteria: ACMG Guidelines, 2015. Collection method: provider interpretation. Allele origin: unknown. Inheritance: Autosomal recessive inheritance. Affected: yes. Observed: 1 homozygote.
Comment: This variant is not present in population databases (gnomAD no frequency). This sequence change replaces proline, which is neutral and non-polar, with histidine, which is basic and polar, at codon 170 of the PAX1 protein (p.Pro170His). Underwent thymus transplant. Features consistent with this diagnosis include: facial anomalies (flattened nasal bridge with slightly bulbous nasal tip & delicate appearing nasal alae), hearing loss, preauricular pits, vertebral defects (kyphosis of the upper lumbar spine, dysplastic elongated lumbar vertebral bodies, and exaggerated lumbosacral lordosis), and thymic aplasia. Variant scoring: PS3, PS4, PM2, PM3, PP4 - Pathogenic.

Labcorp Genetics (formerly Invitae), Labcorp
Classification: Uncertain significance. Last evaluated: 2022-10-05. Review status: criteria provided, single submitter. Criteria: Invitae Variant Classification Sherloc (09022015). Collection method: clinical testing. Allele origin: germline.
Comment: In summary, the available evidence is currently insufficient to determine the role of this variant in disease. Therefore, it has been classified as a Variant of Uncertain Significance. This sequence change replaces proline, which is neutral and non-polar, with histidine, which is basic and polar, at codon 170 of the PAX1 protein (p.Pro170His). This variant is not present in population databases (gnomAD no frequency). This variant has not been reported in the literature in individuals affected with PAX1-related conditions. Advanced modeling of protein sequence and biophysical properties (such as structural, functional, and spatial information, amino acid conservation, physicochemical variation, residue mobility, and thermodynamic stability) performed at Invitae indicates that this missense variant is not expected to disrupt PAX1 protein function.

NM_001257096.2(PAX1):c.509C>A (p.Pro170His)

Gene: PAX1 (paired box 1; plus strand). Cytogenetic location: 20p11.22.
Variant type: single nucleotide variant.
Coding change: c.509C>A on transcript NM_001257096.2 (MANE Select); coding-DNA position 509, C replaced by A.
Protein change: p.Pro170His; replaces proline 170 with histidine.
Molecular consequence: missense variant.
Genome position (GRCh38, 1-based): chr20:21,706,660, C>A. VCF-style: chr20-21706660-C-A. GRCh37 (hg19) VCF-style: chr20-21687298-C-A.
Other names: c.509C>A, p.Pro170His (NM_006192.5); c.509C>A (NM_006192.4); short protein forms P170H.
Identifiers: ClinVar variation 2061950 (VCV002061950.5), dbSNP rs1368682729, ClinGen allele CA408498125.
Genomic context (GRCh38, chr20:21,706,660, plus strand): 5'-TCCTGGCGCGCTACAACGAGACCGGCTCCATTCTGCCCGGGGCCATCGGGGGGAGCAAGC[C>A]CCGCGTCACCACTCCCAACGTGGTCAAGCACATCCGGGACTACAAGCAAGGAGACCCTGG-3'
Protein context (NP_001244025.1, residues 160-180): ILPGAIGGSK[Pro170His]RVTTPNVVKH